The following is an entry in ClinVar:

ClinVar aggregate classification (germline): Likely benign. Review status: criteria provided, multiple submitters, no conflicts (2 of 4 stars). 5 submissions from 4 submitters: Likely benign (5). Last evaluated 2026-01-28.

Conditions:
Inborn genetic diseases. Identifiers: MedGen C0950123, MeSH D030342.
Familial cutaneous telangiectasia and oropharyngeal predisposition cancer syndrome. Identifiers: Orphanet 313846, MedGen C3281203, MONDO:0013806, OMIM 614564.
Seckel syndrome 1 (SCKL1). Also called: MICROCEPHALIC PRIMORDIAL DWARFISM I. Identifiers: Orphanet 808, MedGen C4551474, MONDO:0008869, OMIM 210600.

Allele frequency attached by ClinVar (database versions not stated): ExAC 0.00002; gnomAD exomes 0.00002 and 0.00003; gnomAD 0.00003; TOPMed 0.00006.
gnomAD v4.1: 42 of 1,613,654 alleles (0.0026%); highest among the groups gnomAD compares: Non-Finnish European, 0.0036%; no homozygotes.

Submissions (5):

Labcorp Genetics (formerly Invitae), Labcorp
Classification: Likely benign. Last evaluated: 2026-01-28. Review status: criteria provided, single submitter. Criteria: Invitae Variant Classification Sherloc (09022015). Collection method: clinical testing. Allele origin: germline.

Genome-Nilou Lab
Classification: Likely benign for Seckel syndrome 1. Last evaluated: 2023-02-08. Review status: criteria provided, single submitter. Criteria: ACMG Guidelines, 2015. Collection method: clinical testing. Allele origin: germline.

Genome-Nilou Lab
Classification: Likely benign for Familial cutaneous telangiectasia and oropharyngeal predisposition cancer syndrome. Last evaluated: 2023-02-08. Review status: criteria provided, single submitter. Criteria: ACMG Guidelines, 2015. Collection method: clinical testing. Allele origin: germline.

CeGaT Center for Human Genetics Tuebingen
Classification: Likely benign. Last evaluated: 2023-01-01. Review status: criteria provided, single submitter. Criteria: CeGaT Center For Human Genetics Tuebingen Variant Classification Criteria Version 2. Collection method: clinical testing. Allele origin: germline. Affected: yes. Observed: 3 variant alleles.
Comment: ATR: BP4, BP7

Ambry Genetics
Classification: Likely benign for Inborn genetic diseases. Last evaluated: 2022-02-15. Review status: criteria provided, single submitter. Criteria: Ambry Variant Classification Scheme 2023. Collection method: clinical testing. Allele origin: germline.

NM_001184.4(ATR):c.1182C>T (p.Gly394=)

Gene: ATR (ATR checkpoint kinase; minus strand). Cytogenetic location: 3q23.
Variant type: single nucleotide variant.
Coding change: c.1182C>T on transcript NM_001184.4 (MANE Select); coding-DNA position 1182, C replaced by T.
Protein change: p.Gly394=; no amino-acid change (glycine 394 retained).
Molecular consequence: synonymous variant.
Genome position (GRCh38, 1-based): chr3:142,561,410, G>A on the plus strand (C>T on the coding strand, the complement: ATR is on the minus strand). VCF-style: chr3-142561410-G-A. GRCh37 (hg19) VCF-style: chr3-142280252-G-A.
Other names: c.1182C>T, p.Gly394= (NM_001354579.2).
Identifiers: ClinVar variation 1128439 (VCV001128439.35), dbSNP rs761676898, ClinGen allele CA2650654.